The following is an entry in ClinVar:

NM_000256.3(MYBPC3):c.2557G>C (p.Gly853Arg)

Gene: MYBPC3 (myosin binding protein C3; minus strand). Cytogenetic location: 11p11.2.
Variant type: single nucleotide variant.
Coding change: c.2557G>C on transcript NM_000256.3 (MANE Select); coding-DNA position 2557, G replaced by C.
Protein change: p.Gly853Arg; replaces glycine 853 with arginine.
Molecular consequence: missense variant.
Genome position (GRCh38, 1-based): chr11:47,337,436, C>G on the plus strand (G>C on the coding strand, the complement: MYBPC3 is on the minus strand). VCF-style: chr11-47337436-C-G. GRCh37 (hg19) VCF-style: chr11-47358987-C-G.
Other names: short protein forms G853R.
Identifiers: ClinVar variation 5025020 (VCV005025020.1).

ClinVar aggregate classification (germline): Uncertain significance (1 of 4 stars; one submission).

Conditions:
Cardiovascular phenotype. Identifiers: MedGen CN230736.

gnomAD v4.1: 1 of 1,610,654 alleles (0.000062%); highest among the groups gnomAD compares: African/African-American, 0.0013%; no homozygotes.

Submission:

Ambry Genetics
Classification: Uncertain significance for Cardiovascular phenotype. Last evaluated: 2026-07-07. Review status: criteria provided, single submitter. Criteria: Ambry Variant Classification Scheme 2023. Collection method: clinical testing. Allele origin: germline.
Comment: The p.G853R variant (also known as c.2557G>C), located in coding exon 25 of the MYBPC3 gene, results from a G to C substitution at nucleotide position 2557. The glycine at codon 853 is replaced by arginine, an amino acid with dissimilar properties. This amino acid position is conserved. In addition, this alteration is predicted to be deleterious by in silico analysis. Based on the available evidence, the clinical significance of this variant remains unclear.